The following is an entry in ClinVar:

NM_001367624.2(ZNF469):c.10491C>A (p.Ser3497Arg)

Gene: ZNF469 (zinc finger protein 469; plus strand). Cytogenetic location: 16q24.2.
Variant type: single nucleotide variant.
Coding change: c.10491C>A on transcript NM_001367624.2 (MANE Select); coding-DNA position 10491, C replaced by A.
Protein change: p.Ser3497Arg; replaces serine 3497 with arginine.
Molecular consequence: missense variant.
Genome position (GRCh38, 1-based): chr16:88,437,961, C>A. VCF-style: chr16-88437961-C-A. GRCh37 (hg19) VCF-style: chr16-88504369-C-A.
Other names: NM_001127464.1:c.10407C>A; short protein forms S3497R.
Identifiers: ClinVar variation 3676636 (VCV003676636.2).

ClinVar aggregate classification (germline): Uncertain significance. Review status: criteria provided, multiple submitters, no conflicts (2 of 4 stars). 2 submissions from 2 submitters: Uncertain significance (2). Last evaluated 2025-06-07.

Conditions:
Cardiovascular phenotype. Identifiers: MedGen CN230736.

Submissions (2):

Ambry Genetics
Classification: Uncertain significance for Cardiovascular phenotype. Last evaluated: 2025-06-07. Review status: criteria provided, single submitter. Criteria: Ambry Variant Classification Scheme 2023. Collection method: clinical testing. Allele origin: germline.

Labcorp Genetics (formerly Invitae), Labcorp
Classification: Uncertain significance. Last evaluated: 2024-05-01. Review status: criteria provided, single submitter. Criteria: Invitae Variant Classification Sherloc (09022015). Collection method: clinical testing. Allele origin: germline.
Comment: This sequence change replaces serine, which is neutral and polar, with arginine, which is basic and polar, at codon 3469 of the ZNF469 protein (p.Ser3469Arg). This variant is not present in population databases (gnomAD no frequency). This variant has not been reported in the literature in individuals affected with ZNF469-related conditions. An algorithm developed to predict the effect of missense changes on protein structure and function (PolyPhen-2) suggests that this variant is likely to be disruptive. In summary, the available evidence is currently insufficient to determine the role of this variant in disease. Therefore, it has been classified as a Variant of Uncertain Significance.